The following is an entry in ClinVar:

NM_017802.4(DNAAF5):c.1231G>A (p.Asp411Asn)

Gene: DNAAF5 (dynein axonemal assembly factor 5; plus strand). Cytogenetic location: 7p22.3.
Variant type: single nucleotide variant.
Coding change: c.1231G>A on transcript NM_017802.4 (MANE Select); coding-DNA position 1231, G replaced by A.
Protein change: p.Asp411Asn; replaces aspartic acid 411 with asparagine.
Molecular consequence: missense variant. On other transcripts: non-coding transcript variant (1).
Genome position (GRCh38, 1-based): chr7:754,795, G>A. VCF-style: chr7-754795-G-A. GRCh37 (hg19) VCF-style: chr7-794432-G-A.
Other names: short protein forms D411N.
Identifiers: ClinVar variation 241194 (VCV000241194.9), dbSNP rs748404959, ClinGen allele CA4110638.

ClinVar aggregate classification (germline): Uncertain significance. Review status: criteria provided, multiple submitters, no conflicts (2 of 4 stars). 2 submissions from 2 submitters: Uncertain significance (2). Last evaluated 2023-07-29.

Conditions:
Primary ciliary dyskinesia. Also called: Ciliary dyskinesia. Identifiers: Orphanet 244, MedGen C0008780, MONDO:0016575, HP:0012265.

Allele frequency attached by ClinVar (database versions not stated): gnomAD 0.00002; TOPMed 0.00003; gnomAD exomes 0.00006 and 0.00007; ExAC 0.00008.
gnomAD v4.1: 97 of 1,606,986 alleles (0.006%); highest among the groups gnomAD compares: South Asian, 0.019%; 2 homozygotes.

Submissions (2):

Labcorp Genetics (formerly Invitae), Labcorp
Classification: Uncertain significance for Primary ciliary dyskinesia. Last evaluated: 2023-07-29. Review status: criteria provided, single submitter. Criteria: Invitae Variant Classification Sherloc (09022015). Collection method: clinical testing. Allele origin: germline.
Comment: This variant has not been reported in the literature in individuals affected with DNAAF5-related conditions. ClinVar contains an entry for this variant (Variation ID: 241194). Advanced modeling of protein sequence and biophysical properties (such as structural, functional, and spatial information, amino acid conservation, physicochemical variation, residue mobility, and thermodynamic stability) performed at Invitae indicates that this missense variant is expected to disrupt DNAAF5 protein function. In summary, the available evidence is currently insufficient to determine the role of this variant in disease. Therefore, it has been classified as a Variant of Uncertain Significance. This variant is present in population databases (rs748404959, gnomAD 0.03%), including at least one homozygous and/or hemizygous individual. This sequence change replaces aspartic acid, which is acidic and polar, with asparagine, which is neutral and polar, at codon 411 of the DNAAF5 protein (p.Asp411Asn).

Ambry Genetics
Classification: Uncertain significance for Primary ciliary dyskinesia. Last evaluated: 2023-05-18. Review status: criteria provided, single submitter. Criteria: Ambry Variant Classification Scheme 2023. Collection method: clinical testing. Allele origin: germline.